The following is an entry in ClinVar:

NM_001365276.2(TNXB):c.4802A>G (p.Glu1601Gly)

Gene: TNXB (tenascin XB; minus strand). Cytogenetic location: 6p21.33.
Variant type: single nucleotide variant.
Coding change: c.4802A>G on transcript NM_001365276.2 (MANE Select); coding-DNA position 4802, A replaced by G.
Protein change: p.Glu1601Gly; replaces glutamic acid 1601 with glycine.
Molecular consequence: missense variant.
Genome position (GRCh38, 1-based): chr6:32,072,178, T>C on the plus strand (A>G on the coding strand, the complement: TNXB is on the minus strand). VCF-style: chr6-32072178-T-C. GRCh37 (hg19) VCF-style: chr6-32039955-T-C.
Other names: c.5543A>G, p.Glu1848Gly (NM_001428335.1); c.4802A>G, p.Glu1601Gly (NM_019105.8); short protein forms E1848G, E1601G.
Identifiers: ClinVar variation 3459732 (VCV003459732.1).

ClinVar aggregate classification (germline): Uncertain significance (1 of 4 stars; one submission).

Conditions:
Cardiovascular phenotype. Identifiers: MedGen CN230736.

Submission:

Ambry Genetics
Classification: Uncertain significance for Cardiovascular phenotype. Last evaluated: 2024-12-07. Review status: criteria provided, single submitter. Criteria: Ambry Variant Classification Scheme 2023. Collection method: clinical testing. Allele origin: germline.
Comment: The p.E1601G variant (also known as c.4802A>G), located in coding exon 12 of the TNXB gene, results from an A to G substitution at nucleotide position 4802. The glutamic acid at codon 1601 is replaced by glycine, an amino acid with similar properties. This amino acid position is conserved. In addition, this alteration is predicted to be tolerated by in silico analysis. Based on the available evidence, the clinical significance of this variant remains unclear.